The following is an entry in ClinVar:

ClinVar aggregate classification (germline): Benign. Review status: criteria provided, multiple submitters, no conflicts (2 of 4 stars). 4 submissions from 4 submitters: Benign (3). 1 of the submissions does not count toward it. Last evaluated 2026-02-02.

Conditions:
ARHGEF10-related disorder. Also called: ARHGEF10-related condition.

Allele frequency attached by ClinVar (database versions not stated): ESP Exome Variant Server 0.00408; TOPMed 0.01005; 1000 Genomes Project 30x 0.03123; 1000 Genomes Project 0.03474.

Submissions (4):

Labcorp Genetics (formerly Invitae), Labcorp
Classification: Benign. Last evaluated: 2026-02-02. Review status: criteria provided, single submitter. Criteria: Invitae Variant Classification Sherloc (09022015). Collection method: clinical testing. Allele origin: germline.

GeneDx
Classification: Benign. Last evaluated: 2021-05-05. Review status: criteria provided, single submitter. Criteria: GeneDx Variant Classification Process June 2021. Collection method: clinical testing. Allele origin: germline. Affected: yes.

Breakthrough Genomics
Classification: Benign. Review status: criteria provided, single submitter. Criteria: ACMG Guidelines, 2015. Collection method: not provided. Allele origin: germline. Inheritance: Autosomal dominant inheritance. Affected: yes.

PreventionGenetics, part of Exact Sciences
Classification: Benign for ARHGEF10-related condition. Last evaluated: 2024-05-30. Review status: no assertion criteria provided. Collection method: clinical testing. Allele origin: germline. Not counted in ClinVar's aggregate classification.
Comment: This variant is classified as benign based on ACMG/AMP sequence variant interpretation guidelines (Richards et al. 2015 PMID: 25741868, with internal and published modifications).

NM_014629.4(ARHGEF10):c.591C>T (p.Ala197=)

Gene: ARHGEF10 (Rho guanine nucleotide exchange factor 10; plus strand). Cytogenetic location: 8p23.3.
Variant type: single nucleotide variant.
Coding change: c.591C>T on transcript NM_014629.4 (MANE Select); coding-DNA position 591, C replaced by T.
Protein change: p.Ala197=; no amino-acid change (alanine 197 retained).
Molecular consequence: synonymous variant.
Genome position (GRCh38, 1-based): chr8:1,866,571, C>T. VCF-style: chr8-1866571-C-T. GRCh37 (hg19) VCF-style: chr8-1814737-C-T.
Other names: c.594C>T, p.Ala198= (NM_001308152.2, NM_001308153.3).
Identifiers: ClinVar variation 1292937 (VCV001292937.11), dbSNP rs2272708, ClinGen allele CA4599879.